The following is an entry in ClinVar:

ClinVar aggregate classification (germline): Uncertain significance. Review status: criteria provided, multiple submitters, no conflicts (2 of 4 stars). 5 submissions from 5 submitters: Uncertain significance (4). 1 of the submissions does not count toward it. Last evaluated 2025-02-10.

Conditions:
Bardet-Biedl syndrome 2 (BBS2). Identifiers: Orphanet 110, MedGen C2936863, MONDO:0014432, OMIM 615981.
Retinal dystrophy. Also called: Inherited retinal dystrophy. Identifiers: Orphanet 71862, MedGen C0854723, MeSH D058499, MONDO:0019118, HP:0000556.
Bardet-Biedl syndrome (BBS). Identifiers: Orphanet 110, MedGen C0752166, MONDO:0015229.
BBS2-related disorder. Also called: BBS2-related disorders; BBS2-related condition. Identifiers: MedGen CN239228.

Allele frequency attached by ClinVar (database versions not stated): gnomAD 0.00001; gnomAD exomes 0.00002; TOPMed 0.00002; ExAC 0.00003.
gnomAD v4.1: 27 of 1,613,792 alleles (0.0017%); highest among the groups gnomAD compares: East Asian, 0.06%; no homozygotes.

Submissions (5):

PreventionGenetics, part of Exact Sciences
Classification: Uncertain significance for BBS2-related condition. Last evaluated: 2025-02-10. Review status: criteria provided, single submitter. Criteria: ACMG Guidelines, 2015. Collection method: clinical testing. Allele origin: germline.
Comment: The BBS2 c.1934T>C variant is predicted to result in the amino acid substitution p.Met645Thr. To our knowledge, this variant has not been reported in the literature. This variant is reported in 0.022% of alleles in individuals of East Asian descent in gnomAD. At this time, the clinical significance of this variant is uncertain due to the absence of conclusive functional and genetic evidence.

Dept Of Ophthalmology, Nagoya University
Classification: Uncertain significance for Retinal dystrophy. Last evaluated: 2023-10-01. Review status: criteria provided, single submitter. Criteria: Submitter's publication. Collection method: research. Allele origin: germline. Affected: yes.

Labcorp Genetics (formerly Invitae), Labcorp
Classification: Uncertain significance for Bardet-Biedl syndrome. Last evaluated: 2022-05-16. Review status: criteria provided, single submitter. Criteria: Invitae Variant Classification Sherloc (09022015). Collection method: clinical testing. Allele origin: germline.
Comment: This sequence change replaces methionine, which is neutral and non-polar, with threonine, which is neutral and polar, at codon 645 of the BBS2 protein (p.Met645Thr). This variant is present in population databases (rs757737589, gnomAD 0.01%). This variant has not been reported in the literature in individuals affected with BBS2-related conditions. ClinVar contains an entry for this variant (Variation ID: 888429). Algorithms developed to predict the effect of missense changes on protein structure and function (SIFT, PolyPhen-2, Align-GVGD) all suggest that this variant is likely to be tolerated. In summary, the available evidence is currently insufficient to determine the role of this variant in disease. Therefore, it has been classified as a Variant of Uncertain Significance.

Illumina Laboratory Services, Illumina
Classification: Uncertain significance for Bardet-Biedl syndrome 2. Last evaluated: 2017-06-23. Review status: criteria provided, single submitter. Criteria: ICSL Variant Classification Criteria 13 December 2019. Collection method: clinical testing. Allele origin: germline.
Comment: This variant was observed as part of a predisposition screen in an ostensibly healthy population. A literature search was performed for the gene, cDNA change, and amino acid change (where applicable). Publications were found based on this search. However, the evidence from the literature, in combination with allele frequency data from public databases where available, was not sufficient to rule this variant in or out of causing disease. Therefore, this variant is classified as a variant of unknown significance.

Natera, Inc.
Classification: Uncertain significance for Bardet-Biedl syndrome type 2. Last evaluated: 2020-07-12. Review status: no assertion criteria provided. Collection method: clinical testing. Allele origin: germline. Not counted in ClinVar's aggregate classification.

Literature cited by the submitters: PubMed 28374938 (cited by Illumina Laboratory Services, Illumina).

NM_031885.5(BBS2):c.1934T>C (p.Met645Thr)

Gene: BBS2 (Bardet-Biedl syndrome 2; minus strand). Cytogenetic location: 16q13.
Variant type: single nucleotide variant.
Coding change: c.1934T>C on transcript NM_031885.5 (MANE Select); coding-DNA position 1934, T replaced by C.
Protein change: p.Met645Thr; replaces methionine 645 with threonine.
Molecular consequence: missense variant. On other transcripts: non-coding transcript variant (5).
Genome position (GRCh38, 1-based): chr16:56,485,715, A>G on the plus strand (T>C on the coding strand, the complement: BBS2 is on the minus strand). VCF-style: chr16-56485715-A-G. GRCh37 (hg19) VCF-style: chr16-56519627-A-G.
Other names: c.1934T>C, p.Met645Thr (NM_001377456.1); short protein forms M645T.
Identifiers: ClinVar variation 888429 (VCV000888429.13), dbSNP rs757737589, ClinGen allele CA8065575.